The following is an entry in ClinVar:

NM_000264.5(PTCH1):c.189G>T (p.Glu63Asp)

Gene: PTCH1 (patched 1; minus strand). Cytogenetic location: 9q22.32.
Variant type: single nucleotide variant.
Coding change: c.189G>T on transcript NM_000264.5 (MANE Select); coding-DNA position 189, G replaced by T.
Protein change: p.Glu63Asp; replaces glutamic acid 63 with aspartic acid.
Molecular consequence: missense variant. On other transcripts: non-coding transcript variant (1), intron variant (3).
Genome position (GRCh38, 1-based): chr9:95,508,173, C>A on the plus strand (G>T on the coding strand, the complement: PTCH1 is on the minus strand). VCF-style: chr9-95508173-C-A. GRCh37 (hg19) VCF-style: chr9-98270455-C-A.
Other names: c.189G>T, p.Glu63Asp (NM_001354918.2); c.199-1574G>T (NM_001083603.3); c.4-1574G>T (NM_001083602.3, NM_001354919.2); short protein forms E63D.
Identifiers: ClinVar variation 1014354 (VCV001014354.11), dbSNP rs1587700210, ClinGen allele CA374121264.

ClinVar aggregate classification (germline): Uncertain significance. Review status: criteria provided, multiple submitters, no conflicts (2 of 4 stars). 2 submissions from 2 submitters: Uncertain significance (2). Last evaluated 2024-10-13.

Conditions:
Gorlin syndrome. Also called: Nevoid Basal Cell Carcinoma Syndrome; Basal cell nevus syndrome. Identifiers: Orphanet 377, MedGen C0004779, MONDO:0007187.
Hereditary cancer-predisposing syndrome. Also called: Tumor predisposition; Hereditary Cancer Syndrome; Neoplastic Syndromes, Hereditary; Hereditary neoplastic syndrome. Identifiers: Orphanet 140162, MedGen C0027672, MeSH D009386, MONDO:0015356.

Allele frequency attached by ClinVar (database versions not stated): gnomAD exomes below 0.00001.
gnomAD v4.1: 1 of 1,612,770 alleles (0.000062%); highest among the groups gnomAD compares: Non-Finnish European, 0.000085%; no homozygotes.

Submissions (2):

Labcorp Genetics (formerly Invitae), Labcorp
Classification: Uncertain significance for Gorlin syndrome. Last evaluated: 2024-10-13. Review status: criteria provided, single submitter. Criteria: Invitae Variant Classification Sherloc (09022015). Collection method: clinical testing. Allele origin: germline.
Comment: This sequence change replaces glutamic acid, which is acidic and polar, with aspartic acid, which is acidic and polar, at codon 63 of the PTCH1 protein (p.Glu63Asp). This variant is not present in population databases (gnomAD no frequency). This variant has not been reported in the literature in individuals affected with PTCH1-related conditions. ClinVar contains an entry for this variant (Variation ID: 1014354). Invitae Evidence Modeling of protein sequence and biophysical properties (such as structural, functional, and spatial information, amino acid conservation, physicochemical variation, residue mobility, and thermodynamic stability) indicates that this missense variant is not expected to disrupt PTCH1 protein function with a negative predictive value of 95%. In summary, the available evidence is currently insufficient to determine the role of this variant in disease. Therefore, it has been classified as a Variant of Uncertain Significance.

Ambry Genetics
Classification: Uncertain significance for Hereditary cancer-predisposing syndrome. Last evaluated: 2022-05-24. Review status: criteria provided, single submitter. Criteria: Ambry Variant Classification Scheme 2023. Collection method: clinical testing. Allele origin: germline.
Comment: The p.E63D variant (also known as c.189G>T), located in coding exon 1 of the PTCH1 gene, results from a G to T substitution at nucleotide position 189. The glutamic acid at codon 63 is replaced by aspartic acid, an amino acid with highly similar properties. This amino acid position is conserved. In addition, this alteration is predicted to be tolerated by in silico analysis. Since supporting evidence is limited at this time, the clinical significance of this alteration remains unclear.